The following is an entry in ClinVar:

ClinVar aggregate classification (germline): Uncertain significance (1 of 4 stars; one submission).

Conditions:
Retinitis pigmentosa 2 (RP2). Also called: Retinitis pigmentosa 2, X linked. Identifiers: Orphanet 791, MedGen C2681923, MONDO:0010723, OMIM 312600.

Submission:

3billion
Classification: Uncertain significance for Retinitis pigmentosa 2. Last evaluated: 2025-10-01. Review status: criteria provided, single submitter. Criteria: ACMG Guidelines, 2015. Collection method: clinical testing. Allele origin: germline. Affected: yes.
Comment: The variant is not observed in the gnomAD v4.1.0 dataset. Predicted Consequence/Location: Missense variant. The majority of the known disease-causing variants of this gene are variants expected to result in premature termination of the protein. In silico tool predictions suggest damaging effect of the variant on gene or gene product [REVEL: 0.94 (>=0.6, sensitivity 0.68 and specificity 0.92); 3Cnet: 0.91 (> 0.75, sensitivity 0.96 and precision 0.92)]. A different missense change at the same codon (p.Cys67Tyr) has been reported to be associated with RP2-related disorder (ClinVar ID: VCV001505359 /PMID: 11992260). Therefore, this variant is classified as VUS according to the recommendation of ACMG/AMP guideline.

Literature cited by the submitters: PubMed 11992260.

NM_006915.3(RP2):c.201T>G (p.Cys67Trp)

Gene: RP2 (RP2 activator of ARL3 GTPase; plus strand). Cytogenetic location: Xp11.3.
Variant type: single nucleotide variant.
Coding change: c.201T>G on transcript NM_006915.3 (MANE Select); coding-DNA position 201, T replaced by G.
Protein change: p.Cys67Trp; replaces cysteine 67 with tryptophan.
Molecular consequence: missense variant.
Genome position (GRCh38, 1-based): chrX:46,853,574, T>G. VCF-style: chrX-46853574-T-G. GRCh37 (hg19) VCF-style: chrX-46713009-T-G.
Other names: short protein forms C67W.
Identifiers: ClinVar variation 4854700 (VCV004854700.1).